The following is an entry in ClinVar:

ClinVar aggregate classification (germline): Benign/Likely benign. Review status: criteria provided, multiple submitters, no conflicts (2 of 4 stars). 3 submissions from 3 submitters: Benign (1); Likely benign (2). Last evaluated 2026-06-23.

Conditions:
Hereditary cancer-predisposing syndrome. Also called: Neoplastic Syndromes, Hereditary; Tumor predisposition; Hereditary neoplastic syndrome; Hereditary Cancer Syndrome. Identifiers: Orphanet 140162, MedGen C0027672, MeSH D009386, MONDO:0015356.
Retinoblastoma (RB1). Also called: RETINOBLASTOMA, SOMATIC. Identifiers: Orphanet 790, MedGen C0035335, MeSH D012175, MONDO:0008380, OMIM 180200, HP:0009919. Disease mechanism: loss of function. Inheritance: Both sporadic and heritable forms are tested..

Allele frequency attached by ClinVar (database versions not stated): TOPMed below 0.00001; gnomAD exomes below 0.00001.
gnomAD v4.1: 2 of 1,503,356 alleles (0.00013%); highest among the groups gnomAD compares: Non-Finnish European, 0.00018%; no homozygotes.

Submissions (3):

Myriad Genetics, Inc.
Classification: Benign for Retinoblastoma. Last evaluated: 2026-06-23. Review status: criteria provided, single submitter. Criteria: Myriad Autosomal Dominant, Autosomal Recessive and X-Linked Classification Criteria (2023). Collection method: clinical testing. Allele origin: unknown.
Comment: This variant is considered benign. This variant is a silent/synonymous amino acid change and it is not expected to impact splicing.

Labcorp Genetics (formerly Invitae), Labcorp
Classification: Likely benign for Retinoblastoma. Last evaluated: 2024-05-11. Review status: criteria provided, single submitter. Criteria: Invitae Variant Classification Sherloc (09022015). Collection method: clinical testing. Allele origin: germline.

Ambry Genetics
Classification: Likely benign for Hereditary cancer-predisposing syndrome. Last evaluated: 2022-10-22. Review status: criteria provided, single submitter. Criteria: Ambry Variant Classification Scheme 2023. Collection method: clinical testing. Allele origin: germline.

NM_000321.3(RB1):c.39C>T (p.Ala13=)

Gene: RB1 (RB transcriptional corepressor 1; plus strand). Cytogenetic location: 13q14.2.
Variant type: single nucleotide variant.
Coding change: c.39C>T on transcript NM_000321.3 (MANE Select); coding-DNA position 39, C replaced by T.
Protein change: p.Ala13=; no amino-acid change (alanine 13 retained).
Molecular consequence: synonymous variant.
Genome position (GRCh38, 1-based): chr13:48,303,951, C>T. VCF-style: chr13-48303951-C-T. GRCh37 (hg19) VCF-style: chr13-48878087-C-T.
Other names: c.39C>T, p.Ala13= (NM_001407165.1, NM_001407166.1, NM_001407167.1).
Identifiers: ClinVar variation 1736861 (VCV001736861.6), dbSNP rs1952052419, ClinGen allele CA483711592.